The following is an entry in ClinVar:

NM_000722.4(CACNA2D1):c.2318C>T (p.Pro773Leu)

Gene: CACNA2D1 (calcium voltage-gated channel auxiliary subunit alpha2delta 1; minus strand). Cytogenetic location: 7q21.11.
Variant type: single nucleotide variant.
Coding change: c.2318C>T on transcript NM_000722.4 (MANE Select); coding-DNA position 2318, C replaced by T.
Protein change: p.Pro773Leu; replaces proline 773 with leucine.
Molecular consequence: missense variant.
Genome position (GRCh38, 1-based): chr7:81,968,964, G>A on the plus strand (C>T on the coding strand, the complement: CACNA2D1 is on the minus strand). VCF-style: chr7-81968964-G-A. GRCh37 (hg19) VCF-style: chr7-81598280-G-A.
Other names: c.2354C>T, p.Pro785Leu (NM_001366867.1); c.2318C>T (NM_000722.2); short protein forms P773L, P785L.
Identifiers: ClinVar variation 1021425 (VCV001021425.8), dbSNP rs772938422, ClinGen allele CA4317652.
Genomic context (GRCh38, chr7:81,968,964, plus strand): 5'-TTCCCTTGAATATATATTTCTACAGCTTTGCTTACCATAATGCCCGATTCATAGGCACCA[G>A]GTCCACTTTCTAAAAAAAAAATAAATAAATAAAACACCTATCAAGATATATTGAATAATA-3'
Protein context (NP_000713.2, residues 763-783): FTAPYFNKSG[Pro773Leu]GAYESGIMVS

ClinVar aggregate classification (germline): Uncertain significance. Review status: criteria provided, multiple submitters, no conflicts (2 of 4 stars). 2 submissions from 2 submitters: Uncertain significance (2). Last evaluated 2023-05-28.

Conditions:
Brugada syndrome. Also called: Sudden unexplained nocturnal death syndrome; Sudden unexpected nocturnal death syndrome; Sudden Unexplained Death Syndrome; Sudden Unexplained Nocturnal Death Syndrome (SUNDS). Identifiers: Orphanet 130, MedGen C1142166, MONDO:0015263.
Cardiovascular phenotype. Identifiers: MedGen CN230736.

Allele frequency attached by ClinVar (database versions not stated): TOPMed below 0.00001; ExAC 0.00001; gnomAD 0.00001.
gnomAD v4.1: 9 of 1,569,492 alleles (0.00057%); highest among the groups gnomAD compares: East Asian, 0.016%; no homozygotes.

Submissions (2):

Ambry Genetics
Classification: Uncertain significance for Cardiovascular phenotype. Last evaluated: 2023-05-28. Review status: criteria provided, single submitter. Criteria: Ambry Variant Classification Scheme 2023. Collection method: clinical testing. Allele origin: germline.
Comment: The p.P773L variant (also known as c.2318C>T), located in coding exon 29 of the CACNA2D1 gene, results from a C to T substitution at nucleotide position 2318. The proline at codon 773 is replaced by leucine, an amino acid with similar properties. This amino acid position is conserved. In addition, this alteration is predicted to be tolerated by in silico analysis. Since supporting evidence is limited at this time, the clinical significance of this alteration remains unclear.

Labcorp Genetics (formerly Invitae), Labcorp
Classification: Uncertain significance for Brugada syndrome. Last evaluated: 2023-05-23. Review status: criteria provided, single submitter. Criteria: Invitae Variant Classification Sherloc (09022015). Collection method: clinical testing. Allele origin: germline.
Comment: This sequence change replaces proline, which is neutral and non-polar, with leucine, which is neutral and non-polar, at codon 773 of the CACNA2D1 protein (p.Pro773Leu). This variant is present in population databases (rs772938422, gnomAD 0.003%). This variant has not been reported in the literature in individuals affected with CACNA2D1-related conditions. ClinVar contains an entry for this variant (Variation ID: 1021425). An algorithm developed to predict the effect of missense changes on protein structure and function (PolyPhen-2) suggests that this variant is likely to be tolerated. In summary, the available evidence is currently insufficient to determine the role of this variant in disease. Therefore, it has been classified as a Variant of Uncertain Significance.